The following is an entry in ClinVar:

NM_024652.6(LRRK1):c.410A>G (p.Gln137Arg)

Gene: LRRK1 (leucine rich repeat kinase 1; plus strand). Cytogenetic location: 15q26.3.
Variant type: single nucleotide variant.
Coding change: c.410A>G on transcript NM_024652.6 (MANE Select); coding-DNA position 410, A replaced by G.
Protein change: p.Gln137Arg; replaces glutamine 137 with arginine.
Molecular consequence: missense variant.
Genome position (GRCh38, 1-based): chr15:100,983,676, A>G. VCF-style: chr15-100983676-A-G. GRCh37 (hg19) VCF-style: chr15-101523881-A-G.
Other names: short protein forms Q137R.
Identifiers: ClinVar variation 2209892 (VCV002209892.3), dbSNP rs201198678, ClinGen allele CA7760553.

ClinVar aggregate classification (germline): Uncertain significance. Review status: criteria provided, multiple submitters, no conflicts (2 of 4 stars). 2 submissions from 2 submitters: Uncertain significance (2). Last evaluated 2025-11-02.

Conditions:
Inborn genetic diseases. Identifiers: MedGen C0950123, MeSH D030342.

Allele frequency attached by ClinVar (database versions not stated): TOPMed 0.00002; gnomAD 0.00003; gnomAD exomes 0.00004; ExAC 0.00007.
gnomAD v4.1: 55 of 1,609,048 alleles (0.0034%); highest among the groups gnomAD compares: Non-Finnish European, 0.0038%; no homozygotes.

Submissions (2):

Labcorp Genetics (formerly Invitae), Labcorp
Classification: Uncertain significance. Last evaluated: 2025-11-02. Review status: criteria provided, single submitter. Criteria: Invitae Variant Classification Sherloc (09022015). Collection method: clinical testing. Allele origin: germline.
Comment: This sequence change replaces glutamine, which is neutral and polar, with arginine, which is basic and polar, at codon 137 of the LRRK1 protein (p.Gln137Arg). This variant is present in population databases (rs201198678, gnomAD 0.02%). This variant has not been reported in the literature in individuals affected with LRRK1-related conditions. ClinVar contains an entry for this variant (Variation ID: 2209892). An algorithm developed to predict the effect of missense changes on protein structure and function outputs the following: PolyPhen-2: "Benign". The arginine amino acid residue is found in multiple mammalian species, which suggests that this missense change does not adversely affect protein function. In summary, the available evidence is currently insufficient to determine the role of this variant in disease. Therefore, it has been classified as a Variant of Uncertain Significance.

Ambry Genetics
Classification: Uncertain significance for Inborn genetic diseases. Last evaluated: 2021-10-27. Review status: criteria provided, single submitter. Criteria: Ambry Variant Classification Scheme 2023. Collection method: clinical testing. Allele origin: germline.